The following continues an entry in ClinVar:

NM_000540.3(RYR1):c.7063C>T (p.Arg2355Trp)

Gene: RYR1. ClinVar aggregate classification (germline): Pathogenic/Likely pathogenic; drug response. Pathogenic (1); Likely pathogenic (1).

Submissions 10 to 23 of 23:

Ambry Genetics
Classification: Pathogenic for Inborn genetic diseases. Last evaluated: 2026-08-18. Review status: criteria provided, single submitter. Criteria: Ambry Variant Classification Scheme 2023. Collection method: clinical testing. Allele origin: germline. Not counted in ClinVar's aggregate classification.
Comment: The c.7063C>T (p.R2355W) alteration is located in exon 44 (coding exon 44) of the RYR1 gene. This alteration results from a C to T substitution at nucleotide position 7063, causing the arginine (R) at amino acid position 2355 to be replaced by a tryptophan (W). Based on data from gnomAD, the T allele has an overall frequency of 0.002% (5/239396) total alleles studied. The highest observed frequency was 0.01% (1/10010) of Ashkenazi Jewish alleles. This variant was identified in one or more individuals with features consistent with RYR1-related malignant hyperthermia susceptibility (MHS) (Merritt, 2017, Miller, 2018, Klincov&aacute;, 2026) and segregated with disease in at least one family (Wehner, 2004, Schiemann, 2014)). This amino acid position is highly conserved in available vertebrate species. In an assay testing RYR1 function, this variant showed a functionally abnormal result (Merritt, 2017). This alteration is predicted to be deleterious by in silico analysis. Based on the available evidence, this alteration is classified as pathogenic.

Labcorp Genetics (formerly Invitae), Labcorp
Classification: Pathogenic for RYR1-related disorder. Last evaluated: 2025-12-15. Review status: criteria provided, single submitter. Criteria: Invitae Variant Classification Sherloc (09022015). Collection method: clinical testing. Allele origin: germline. Not counted in ClinVar's aggregate classification.
Comment: This sequence change replaces arginine, which is basic and polar, with tryptophan, which is neutral and slightly polar, at codon 2355 of the RYR1 protein (p.Arg2355Trp). This variant is present in population databases (rs193922803, gnomAD 0.01%). This missense change has been observed in individuals with malignant hyperthermia susceptibility (PMID: 15210166, 19648156, 23558838, 24361844). It has also been observed to segregate with disease in related individuals. ClinVar contains an entry for this variant (Variation ID: 133183). Invitae Evidence Modeling of protein sequence and biophysical properties (such as structural, functional, and spatial information, amino acid conservation, physicochemical variation, residue mobility, and thermodynamic stability) indicates that this missense variant is not expected to disrupt RYR1 protein function with a negative predictive value of 80%. Experimental studies have shown that this missense change affects RYR1 function (PMID: 15210166, 24361844, 28403410). For these reasons, this variant has been classified as Pathogenic.

Color Diagnostics, LLC DBA Color Health
Classification: Pathogenic for Malignant hyperthermia, susceptibility to, 1. Last evaluated: 2024-12-23. Review status: criteria provided, single submitter. Criteria: ACMG Guidelines, 2015. Collection method: clinical testing. Allele origin: germline. Not counted in ClinVar's aggregate classification.
Comment: This missense variant replaces arginine with tryptophan at codon 2355 of the RYR1 protein. Computational prediction suggests that this variant may have deleterious impact on protein structure and function. Functional studies in HEK293 cells and patient-derived myotubes and lymphoblastoid cells have shown this variant increases sensitivity to caffeine, 4-CmC, and halothane compared to cell expressing wild-type RYR1 (PMID: 15210166, 24361844, 28403410). This variant has been reported in more than 10 families and individuals affected with malignant hyperthermia susceptibility (PMID: 15210166, 15210166, 19648156, 23558838, 24361844, 24361844, 25256590, 28403410, 28403410, 30236257). It has been shown that this variant segregates with malignant hyperthermia susceptibility in 8 families (PMID: 15210166, 24361844, 28403410). This variant has been identified in 5/239396 chromosomes in the general population by the Genome Aggregation Database (gnomAD). Based on the available evidence, this variant is classified as Pathogenic.

Genomic Medicine Center of Excellence, King Faisal Specialist Hospital and Research Centre
Classification: Pathogenic for Central core myopathy. Last evaluated: 2024-12-18. Review status: criteria provided, single submitter. Criteria: ACMG Guidelines, 2015. Collection method: clinical testing. Allele origin: germline. Not counted in ClinVar's aggregate classification.

Institute of Immunology and Genetics Kaiserslautern
Classification: Pathogenic for Malignant hyperthermia, susceptibility to, 1. Last evaluated: 2024-08-30. Review status: criteria provided, single submitter. Criteria: ACMG Guidelines, 2015. Collection method: clinical testing. Allele origin: germline. Affected: yes. Not counted in ClinVar's aggregate classification.
Comment: ACMG Criteria: PM2_p, PS3, PS4, PP3, PP5, PP1; Variant was found in heterozygous state

All of Us Research Program, National Institutes of Health
Classification: Pathogenic for Malignant hyperthermia, susceptibility to, 1. Last evaluated: 2024-05-13. Review status: criteria provided, single submitter. Criteria: ACMG Guidelines, 2015. Collection method: clinical testing. Allele origin: germline. Inheritance: Autosomal dominant inheritance. Observed: 5 variant alleles, 5 heterozygotes. Not counted in ClinVar's aggregate classification.
Comment: This missense variant replaces arginine with tryptophan at codon 2355 of the RYR1 protein. Computational prediction suggests that this variant may have deleterious impact on protein structure and function (internally defined REVEL score threshold >= 0.7, PMID: 27666373). Functional studies in HEK293 cells and patient myotubes and lymphoblastoid cells expressing this variant have shown increased sensitivity to caffeine, 4-CmC, and halothane compared to cell expressing wild-type RYR1 (PMID: 15210166, 24361844, 28403410). This variant has been reported in more than 10 families and individuals affected with malignant hyperthermia susceptibility (PMID: 15210166, 15210166, 19648156, 23558838, 24361844, 24361844, 25256590, 28403410, 28403410, 30236257). It has been shown that this variant segregates with malignant hyperthermia susceptibility in 8 families (PMID: 15210166, 24361844, 28403410). This variant has been identified in 5/239396 chromosomes in the general population by the Genome Aggregation Database (gnomAD). Based on the available evidence, this variant is classified as Pathogenic.

This study involves interpretation of variants in research participants for the purpose of population health screening. Participant phenotype was not available at the time of variant classification. Additional details can be found in publication PMID: 35346344, PMCID: PMC8962531

3billion
Classification: Likely pathogenic for Malignant hyperthermia, susceptibility to, 1. Last evaluated: 2024-03-07. Review status: criteria provided, single submitter. Criteria: ACMG Guidelines, 2015. Collection method: clinical testing. Allele origin: germline. Affected: yes. Not counted in ClinVar's aggregate classification.
Comment: It is observed in the gnomAD v2.1.1 dataset (total allele frequency: 0.002% NA). Predicted Consequence/Location: The variant is located in a mutational hot spot and/or well-established functional domain in which established pathogenic variants have been reported (PMID: 33767344). In silico tool predictions suggest damaging effect of the variant on gene or gene product [REVEL: 0.86 (>=0.6, sensitivity 0.68 and specificity 0.92); 3Cnet: 0.97 (>=0.6, sensitivity 0.72 and precision 0.9)]. Same nucleotide change resulting in same amino acid change has been previously reported as pathogenic/likely pathogenic with strong evidence (ClinVar ID: VCV000133183 /PMID: 12123492 /3billion dataset). Therefore, this variant is classified as Likely pathogenic according to the recommendation of ACMG/AMP guideline.

Laboratory for Molecular Medicine, Mass General Brigham Personalized Medicine
Classification: Pathogenic for Malignant hyperthermia of anesthesia. Last evaluated: 2022-08-26. Review status: criteria provided, single submitter. Criteria: ACMG Guidelines, 2015. Collection method: clinical testing. Allele origin: germline. Not counted in ClinVar's aggregate classification.
Comment: The p.Arg2355Trp variant in RYR1 has been previously reported in at least 14 probands with malignant hyperthermia susceptibility and segregated in >10 affected family members (Broman 2015, Miller 2018, Brandom 2013, Schiemann 2014, Carpenter 2009, Klein 2012, Robinson 2006, McWilliams 2002, Jokela 2019, Merritt 2014, Wehner 2004). The variant has also been reported in 2 individuals with myopathy, who were compound heterozygous for a second variant (Garibaldi 2019, Klein 2012). In vitro functional studies also support that this variant results in malignant hyperthermia reaction, as increased calcium released was observed in response to caffeine, 4-chloro-m-cresol, and/or halothane in cells (Schiemann 2014, Merritt 2017, Wehner 2004). This variant has been identified in 1/10010 of Ashkenazi Jewish chromosomes and in 4/111684 European chromosomes by gnomAD and in ClinVar by the PharmGKB expert panel with evidence level 1A for susceptibility to malignant hyperthermia, the annotation for a variant-drug combination in a CPIC or medical society-endorsed PGx guideline (Variation ID 133183). Computational prediction tools and conservation analysis suggest that this variant may impact the protein. In summary, this variant meets criteria to be classified as pathogenic for autosomal dominant malignant hyperthermia. ACMG/AMP criteria applied: PS4_Moderate, PP1_Strong, PM2, PS3_Moderate, PP3, PM3_Supporting.

GeneDx
Classification: Pathogenic. Last evaluated: 2021-11-04. Review status: criteria provided, single submitter. Criteria: GeneDx Variant Classification Process June 2021. Collection method: clinical testing. Allele origin: germline. Affected: yes. Not counted in ClinVar's aggregate classification.
Comment: Published functional studies demonstrate a damaging effect, as mutant protein results in altered receptor function as compared to wild-type (Wehner et al., 2004; Schiemann et al., 2014); Not observed at a significant frequency in large population cohorts (gnomAD); This variant is associated with the following publications: (PMID: 19648156, 30611313, 23558838, 22473935, 12123492, 24361844, 15210166, 16917943, 30236257, 30842289, 28403410, 31301762, 32381029, 30499100, 32528171, 33087929)

CeGaT Center for Human Genetics Tuebingen
Classification: Pathogenic. Last evaluated: 2021-10-01. Review status: criteria provided, single submitter. Criteria: CeGaT Center For Human Genetics Tuebingen Variant Classification Criteria Version 2. Collection method: clinical testing. Allele origin: germline. Affected: yes. Observed: 1 variant allele. Not counted in ClinVar's aggregate classification.

Fulgent Genetics
Classification: Pathogenic for Central core myopathy; Malignant hyperthermia, susceptibility to, 1; Congenital myopathy 4A, autosomal dominant; Congenital multicore myopathy with external ophthalmoplegia. Last evaluated: 2018-10-31. Review status: criteria provided, single submitter. Criteria: ACMG Guidelines, 2015. Collection method: clinical testing. Allele origin: unknown. Not counted in ClinVar's aggregate classification.

Institute of Human Genetics Munich, TUM University Hospital
Classification: Pathogenic for Congenital multicore myopathy with external ophthalmoplegia. Last evaluated: 2017-11-15. Review status: criteria provided, single submitter. Criteria: Classification criteria August 2017. Collection method: clinical testing. Allele origin: paternal. Inheritance: Autosomal recessive inheritance. Affected: yes. Observed: 1 compound heterozygote. Not counted in ClinVar's aggregate classification.

Juno Genomics, Hangzhou Juno Genomics, Inc
Classification: Pathogenic for Malignant hyperthermia, susceptibility to, 1. Review status: criteria provided, single submitter. Criteria: ACMG Guidelines, 2015. Collection method: clinical testing. Allele origin: germline. Not counted in ClinVar's aggregate classification.
Comment: Multiple lines of computational evidence support a deleterious effect on the gene or gene product.;The prevalence of the variant in affected individuals is significantly increased compared to the prevalence in controls.;Co-segregation with disease in multiple affected family members.;Located in a mutational hot spot and/or critical and well-established functional domain without benign variation.;Well-established in vitro or in vivo functional studies supportive of a damaging effect on the gene or gene product.

RYR1 database
No classification provided. Review status: no classification provided. Collection method: not provided. Allele origin: unknown. Not counted in ClinVar's aggregate classification.

Literature cited by the submitters: PubMed 24361844 (cited by 7 submitters); PubMed 28403410 (cited by 6 submitters); PubMed 15210166 (cited by 7 submitters); PubMed 12123492 (cited by 3 submitters); PubMed 19648156 (cited by 5 submitters); PubMed 23558838 (cited by 5 submitters); PubMed 25256590 (cited by 4 submitters); PubMed 30236257 (cited by 4 submitters); PubMed 41913278 (cited by Ambry Genetics); PubMed 30611313 (cited by Laboratory for Molecular Medicine, Mass General Brigham Personalized Medicine); PubMed 22473935 (cited by Laboratory for Molecular Medicine, Mass General Brigham Personalized Medicine); PubMed 16917943 (cited by Laboratory for Molecular Medicine, Mass General Brigham Personalized Medicine); PubMed 30842289 (cited by Laboratory for Molecular Medicine, Mass General Brigham Personalized Medicine).